The following is an entry in ClinVar:

NM_001039141.3(TRIOBP):c.5869C>T (p.Gln1957Ter)

Gene: TRIOBP (TRIO and F-actin binding protein; plus strand). Cytogenetic location: 22q13.1.
Variant type: single nucleotide variant.
Coding change: c.5869C>T on transcript NM_001039141.3 (MANE Select); coding-DNA position 5869, C replaced by T.
Protein change: p.Gln1957Ter; replaces glutamine 1957 with a stop codon.
Molecular consequence: nonsense.
Genome position (GRCh38, 1-based): chr22:37,757,794, C>T. VCF-style: chr22-37757794-C-T. GRCh37 (hg19) VCF-style: chr22-38153801-C-T.
Other names: c.730C>T, p.Gln244Ter (NM_007032.5, NM_138632.2); short protein forms Q1957*, Q244*.
Identifiers: ClinVar variation 505293 (VCV000505293.6), dbSNP rs1277466514, ClinGen allele CA411507080.
Genomic context (GRCh38, chr22:37,757,794, plus strand): 5'-GACGGGCAGCGTCAGGCCTTGGACTACGTGGAGCTCTCGCCGCTGACCCAGGCTTCCCCG[C>T]AGCGGGCCCGCACCCCAGCCCGCACTCCTGACCGCCTGGCCAAGCAGGAGGAGCTGGAGC-3'

ClinVar aggregate classification (germline): Uncertain significance. Review status: criteria provided, multiple submitters, no conflicts (2 of 4 stars). 2 submissions from 2 submitters: Uncertain significance (2). Last evaluated 2024-01-18.

Allele frequency attached by ClinVar (database versions not stated): gnomAD exomes below 0.00001 and 0.00001; TOPMed below 0.00001; gnomAD 0.00001.
gnomAD v4.1: 3 of 1,547,842 alleles (0.00019%); highest among the groups gnomAD compares: Admixed American, 0.0059%; no homozygotes.

Submissions (2):

GeneDx
Classification: Uncertain significance. Last evaluated: 2024-01-18. Review status: criteria provided, single submitter. Criteria: GeneDx Variant Classification Process June 2021. Collection method: clinical testing. Allele origin: germline. Affected: yes.
Comment: Nonsense variant predicted to result in protein truncation or nonsense mediated decay in a gene for which loss of function is a known mechanism of disease; Has not been previously published as pathogenic or benign to our knowledge

Laboratory for Molecular Medicine, Mass General Brigham Personalized Medicine
Classification: Uncertain significance. Last evaluated: 2016-10-08. Review status: criteria provided, single submitter. Criteria: LMM Criteria. Collection method: clinical testing. Allele origin: germline. Observed: 1 variant allele.
Comment: Variant classified as Uncertain Significance - Favor Pathogenic. The p.Gln1957X variant in exon 16 of TRIOBP (NM_001039141.2) has not been previously reported i n individuals with hearing loss. Data from large population studies is insuffici ent to assess the frequency of this variant. This nonsense variant leads to a pr emature termination codon at position 1957 which is predicted to lead to a trunc ated or absent protein. However, several TRIOBP isoforms exist. In humans, a lon g isoform is reportedly expressed in the cochlea and a short isoform is ubiquito usly expressed (Kitajiri 2010). To date, all truncating or loss of function var iants in TRIOBP reported in individuals with hearing loss are located in exon 7 of the long isoform (NM_001039141.2), which does not overlap with exons in the s hort isoform. Furthermore, a mouse model showed that a homozygous deletion of th e exon 7 mouse homologue was profoundly deaf, but simultaneous knockout of both isoforms was embryonic lethal (Kitajiri 2010), suggesting that the long isoform is essential for hearing while the short isoform has an additional essential dev elopmental role in mice. However, biallelic truncating variants have not been re ported outside of exon 7 in patients with hearing loss, and biallelic truncating variants or loss of function variants that affect both isoforms have not been r eported in patients or individuals in control databases. In summary, while this variant is likely to result in a truncated or absent protein and may be disease causing, the clinical significance of this variant is uncertain due to limited d ata on truncating variants outside of exon 7 of the long isoform of the TRIOBP g ene.